The following is an entry in ClinVar:

NM_000719.7(CACNA1C):c.6342G>A (p.Ala2114=)

Genes: CACNA1C (calcium voltage-gated channel subunit alpha1 C; plus strand), CACNA1C-AS1 (CACNA1C antisense RNA 1; minus strand). Cytogenetic location: 12p13.33.
Variant type: single nucleotide variant.
Coding change: c.6342G>A on transcript NM_000719.7 (MANE Select); coding-DNA position 6342, G replaced by A.
Protein change: p.Ala2114=; no amino-acid change (alanine 2114 retained).
Molecular consequence: synonymous variant. On other transcripts: non-coding transcript variant (1).
Genome position (GRCh38, 1-based): chr12:2,691,124, G>A. VCF-style: chr12-2691124-G-A. GRCh37 (hg19) VCF-style: chr12-2800290-G-A.
Other names: p.Ala2114=; c.6591G>A (NM_199460.3); c.6486G>A, p.Ala2162= (NM_001129827.2); c.6465G>A, p.Ala2155= (NM_001129829.2); c.6447G>A, p.Ala2149= (NM_001129830.3, NM_001167624.3); c.6426G>A, p.Ala2142= (NM_001129831.2); c.6402G>A, p.Ala2134= (NM_001129832.2); c.6399G>A, p.Ala2133= (NM_001129833.2, NM_001129834.2, NM_001129835.2); and 8 more.
Identifiers: ClinVar variation 383377 (VCV000383377.23), dbSNP rs368073321, ClinGen allele CA6390125.
Genomic context (GRCh38, chr12:2,691,124, plus strand): 5'-CTTACCCTTTGTGAACTGCAGGGACGCGGGGCAGGACCGAGCCGGGGGCGAAGAGGACGC[G>A]GGCTGTGTGCGCGCGCGGGGTCGACCGAGTGAGGAGGAGCTCCAGGACAGCAGGGTCTAC-3'
Protein context (NP_000710.5, residues 2104-2124): GQDRAGGEED[Ala2114=]GCVRARGRPS

ClinVar aggregate classification (germline): Benign/Likely benign. Review status: criteria provided, multiple submitters, no conflicts (2 of 4 stars). 8 submissions from 8 submitters: Benign (1); Likely benign (5). 2 of the submissions do not count toward it. Last evaluated 2026-01-19.

Conditions:
Cardiovascular phenotype. Identifiers: MedGen CN230736.
Long QT syndrome (LQTS). Identifiers: MedGen C0023976, MeSH D008133, MONDO:0002442. Disease mechanism: loss of function. Inheritance: Various modes of inheritance.

Allele frequency attached by ClinVar (database versions not stated): gnomAD exomes 0.00003 and 0.00010; TOPMed 0.00003; gnomAD 0.00006 and 0.00010; ExAC 0.00016; 1000 Genomes Project 0.00020; 1000 Genomes Project 30x 0.00047.
gnomAD v4.1: 81 of 1,609,170 alleles (0.005%); highest among the groups gnomAD compares: East Asian, 0.069%; no homozygotes.

Submissions (8):

Labcorp Genetics (formerly Invitae), Labcorp
Classification: Benign for Long QT syndrome. Last evaluated: 2026-01-19. Review status: criteria provided, single submitter. Criteria: Invitae Variant Classification Sherloc (09022015). Collection method: clinical testing. Allele origin: germline.

Mayo Clinic Laboratories, Mayo Clinic
Classification: Likely benign. Last evaluated: 2025-09-10. Review status: criteria provided, single submitter. Criteria: ACMG Guidelines, 2015. Collection method: clinical testing. Allele origin: germline. Observed: 1 variant allele.
Comment: BS1, BP4, BP7

Molecular Diagnostic Laboratory for Inherited Cardiovascular Disease, Montreal Heart Institute
Classification: Likely benign. Last evaluated: 2025-04-09. Review status: criteria provided, single submitter. Criteria: ACMG Guidelines, 2015. Collection method: clinical testing. Allele origin: germline. Affected: no.

Blueprint Genetics
Classification: Likely benign. Last evaluated: 2024-05-30. Review status: criteria provided, single submitter. Criteria: ACMG Guidelines, 2015. Collection method: clinical testing. Allele origin: germline.

Ambry Genetics
Classification: Likely benign for Cardiovascular phenotype. Last evaluated: 2017-02-08. Review status: criteria provided, single submitter. Criteria: Ambry Variant Classification Scheme 2023. Collection method: clinical testing. Allele origin: germline.

GeneDx
Classification: Likely benign. Last evaluated: 2016-10-04. Review status: criteria provided, single submitter. Criteria: GeneDx Variant Classification (06012015). Collection method: clinical testing. Allele origin: germline. Affected: yes.
Comment: This variant is considered likely benign or benign based on one or more of the following criteria: it is a conservative change, it occurs at a poorly conserved position in the protein, it is predicted to be benign by multiple in silico algorithms, and/or has population frequency not consistent with disease.

Clinical Genetics, Academic Medical Center
Classification: Benign. Review status: no assertion criteria provided. Collection method: clinical testing. Allele origin: germline. Affected: yes. Study: VKGL Data-share Consensus. Not counted in ClinVar's aggregate classification.

Joint Genome Diagnostic Labs from Nijmegen and Maastricht, Radboudumc and MUMC+
Classification: Likely benign. Review status: no assertion criteria provided. Collection method: clinical testing. Allele origin: germline. Affected: yes. Study: VKGL Data-share Consensus. Not counted in ClinVar's aggregate classification.